The following is an entry in ClinVar:

NM_003587.5(DHX16):c.1498A>T (p.Met500Leu)

Gene: DHX16 (DEAH-box helicase 16; minus strand). Cytogenetic location: 6p21.33.
Variant type: single nucleotide variant.
Coding change: c.1498A>T on transcript NM_003587.5 (MANE Select); coding-DNA position 1498, A replaced by T.
Protein change: p.Met500Leu; replaces methionine 500 with leucine.
Molecular consequence: missense variant. On other transcripts: 5 prime UTR variant (1).
Genome position (GRCh38, 1-based): chr6:30,662,673, T>A on the plus strand (A>T on the coding strand, the complement: DHX16 is on the minus strand). VCF-style: chr6-30662673-T-A. GRCh37 (hg19) VCF-style: chr6-30630450-T-A.
Other names: c.1318A>T, p.Met440Leu (NM_001164239.2); c.-622A>T (NM_001363515.2); short protein forms M440L, M500L.
Identifiers: ClinVar variation 5021076 (VCV005021076.1).

ClinVar aggregate classification (germline): Uncertain significance (1 of 4 stars; one submission).

gnomAD v4.1: 2 of 1,613,112 alleles (0.00012%); highest among the groups gnomAD compares: East Asian, 0.0045%; no homozygotes.

Submission:

Dasa
Classification: Uncertain significance. Last evaluated: 2024-09-20. Review status: criteria provided, single submitter. Criteria: DASA Assertion Criteria. Collection method: clinical testing. Allele origin: germline.
Comment: NM_003587.5(DHX16):c.1498A>T (p.Met500Leu) is a missense variant that results in the substitution of methionine with leucine. This variant is rare in population databases. Computational prediction algorithms are consistent with a benign effect. The currently available literature and clinical evidence are not sufficient to establish a definitive association between this variant and the reported condition. Therefore, this variant is classified as a variant of uncertain significance.